The following is an entry in ClinVar:

ClinVar aggregate classification (germline): Conflicting classifications of pathogenicity. Review status: criteria provided, conflicting classifications (1 of 4 stars). 12 submissions from 12 submitters: Uncertain significance (2); Benign (1); Likely benign (7). 2 of the submissions do not count toward it. Last evaluated 2026-01-25.

Conditions:
TSC2-related disorder. Also called: TSC2-Related Disorders; TSC2-related condition.
Hereditary cancer-predisposing syndrome. Also called: Tumor predisposition; Neoplastic Syndromes, Hereditary; Hereditary neoplastic syndrome; Hereditary Cancer Syndrome. Identifiers: Orphanet 140162, MedGen C0027672, MeSH D009386, MONDO:0015356.
Tuberous sclerosis syndrome (TSC). Also called: Tuberous Sclerosis Complex; Tuberous sclerosis. Identifiers: Orphanet 805, MedGen C0041341, MONDO:0001734.
Tuberous sclerosis 2 (TSC2). Identifiers: Orphanet 805, MedGen C1860707, MONDO:0013199, OMIM 613254.

Allele frequency attached by ClinVar (database versions not stated): gnomAD 0.00002 and 0.00003; TOPMed 0.00003; gnomAD exomes 0.00005; ExAC 0.00007.
gnomAD v4.1: 157 of 1,614,014 alleles (0.0097%); highest among the groups gnomAD compares: Non-Finnish European, 0.012%; no homozygotes.

Submissions (12):

Labcorp Genetics (formerly Invitae), Labcorp
Classification: Benign for Tuberous sclerosis 2. Last evaluated: 2026-01-25. Review status: criteria provided, single submitter. Criteria: Invitae Variant Classification Sherloc (09022015). Collection method: clinical testing. Allele origin: germline.

Myriad Genetics, Inc.
Classification: Likely benign for Tuberous sclerosis 2. Last evaluated: 2025-05-13. Review status: criteria provided, single submitter. Criteria: Myriad Autosomal Dominant, Autosomal Recessive and X-Linked Classification Criteria (2023). Collection method: clinical testing. Allele origin: unknown.
Comment: This variant is considered likely benign. This variant has been observed at a population frequency that is significantly greater than expected given the associated disease prevalence and penetrance.

ARUP Laboratories, Molecular Genetics and Genomics, ARUP Laboratories
Classification: Uncertain significance. Last evaluated: 2025-04-22. Review status: criteria provided, single submitter. Criteria: ARUP Molecular Germline Variant Investigation Process 2024. Collection method: clinical testing. Allele origin: germline.

Blueprint Genetics
Classification: Likely benign. Last evaluated: 2024-09-06. Review status: criteria provided, single submitter. Criteria: ACMG Guidelines, 2015. Collection method: clinical testing. Allele origin: germline.

Color Diagnostics, LLC DBA Color Health
Classification: Likely benign for Tuberous sclerosis syndrome. Last evaluated: 2022-09-16. Review status: criteria provided, single submitter. Criteria: ACMG Guidelines, 2015. Collection method: clinical testing. Allele origin: germline.

Genome-Nilou Lab
Classification: Likely benign for Tuberous sclerosis 2. Last evaluated: 2021-11-07. Review status: criteria provided, single submitter. Criteria: ACMG Guidelines, 2015. Collection method: clinical testing. Allele origin: germline. Affected: no.

Sema4
Classification: Likely benign for Hereditary cancer-predisposing syndrome. Last evaluated: 2021-06-24. Review status: criteria provided, single submitter. Criteria: Sema4 Curation Guidelines. Collection method: curation. Allele origin: germline.

GeneDx
Classification: Likely benign. Last evaluated: 2021-05-23. Review status: criteria provided, single submitter. Criteria: GeneDx Variant Classification Process June 2021. Collection method: clinical testing. Allele origin: germline. Affected: yes.
Comment: This variant is associated with the following publications: (PMID: 23514105, 19139070, 10205261)

Ambry Genetics
Classification: Likely benign for Hereditary cancer-predisposing syndrome. Last evaluated: 2018-08-14. Review status: criteria provided, single submitter. Criteria: Ambry Variant Classification Scheme 2023. Collection method: clinical testing. Allele origin: germline.

Illumina Laboratory Services, Illumina
Classification: Uncertain significance for Tuberous sclerosis syndrome. Last evaluated: 2018-01-12. Review status: criteria provided, single submitter. Criteria: ICSL Variant Classification Criteria 13 December 2019. Collection method: clinical testing. Allele origin: germline.

PreventionGenetics, part of Exact Sciences
Classification: Likely benign for TSC2-related condition. Last evaluated: 2024-06-11. Review status: no assertion criteria provided. Collection method: clinical testing. Allele origin: germline. Not counted in ClinVar's aggregate classification.
Comment: This variant is classified as likely benign based on ACMG/AMP sequence variant interpretation guidelines (Richards et al. 2015 PMID: 25741868, with internal and published modifications).

Tuberous sclerosis database (TSC2)
No classification provided. Condition: TSC. Review status: no classification provided. Criteria: Tuberous Sclerosis Database Assertion Criteria 2015. Collection method: curation. Allele origin: germline. Affected: yes. Not counted in ClinVar's aggregate classification.

Literature cited by the submitters: PubMed 10205261 (cited by Sema4).

NM_000548.5(TSC2):c.1133C>T (p.Pro378Leu)

Gene: TSC2 (TSC complex subunit 2; plus strand). Cytogenetic location: 16p13.3.
Variant type: single nucleotide variant.
Coding change: c.1133C>T on transcript NM_000548.5 (MANE Select); coding-DNA position 1133, C replaced by T.
Protein change: p.Pro378Leu; replaces proline 378 with leucine.
Molecular consequence: missense variant.
Genome position (GRCh38, 1-based): chr16:2,061,884, C>T. VCF-style: chr16-2061884-C-T. GRCh37 (hg19) VCF-style: chr16-2111885-C-T.
Other names: c.1133C>T, p.Pro378Leu (NM_001077183.3, NM_001114382.3, NM_001363528.2 and 3 more transcripts); c.1022C>T, p.Pro341Leu (NM_001318827.2); c.986C>T, p.Pro329Leu (NM_001318829.2); c.533C>T, p.Pro178Leu (NM_001318831.2); c.1166C>T, p.Pro389Leu (NM_001318832.2); c.1133C>T (NM_000548.4); short protein forms P378L, P178L, P341L, P329L, P389L.
Identifiers: ClinVar variation 50164 (VCV000050164.28), dbSNP rs45517154, ClinGen allele CA013884.